The following is an entry in ClinVar:

ClinVar aggregate classification (germline): Uncertain significance (1 of 4 stars; one submission).

Allele frequency attached by ClinVar (database versions not stated): gnomAD exomes below 0.00001 and 0.00001.
gnomAD v4.1: 4 of 1,613,970 alleles (0.00025%); highest among the groups gnomAD compares: Non-Finnish European, 0.000085%; no homozygotes.

Submission:

Labcorp Genetics (formerly Invitae), Labcorp
Classification: Uncertain significance. Last evaluated: 2022-07-05. Review status: criteria provided, single submitter. Criteria: Invitae Variant Classification Sherloc (09022015). Collection method: clinical testing. Allele origin: germline.
Comment: In summary, the available evidence is currently insufficient to determine the role of this variant in disease. Therefore, it has been classified as a Variant of Uncertain Significance. Algorithms developed to predict the effect of missense changes on protein structure and function are either unavailable or do not agree on the potential impact of this missense change (SIFT: "Deleterious"; PolyPhen-2: "Possibly Damaging"; Align-GVGD: "Class C0"). ClinVar contains an entry for this variant (Variation ID: 948553). This variant has not been reported in the literature in individuals affected with SCN3A-related conditions. This variant is present in population databases (no rsID available, gnomAD no frequency). This sequence change replaces glutamine, which is neutral and polar, with histidine, which is basic and polar, at codon 1005 of the SCN3A protein (p.Gln1005His).

NM_006922.4(SCN3A):c.3015G>T (p.Gln1005His)

Gene: SCN3A (sodium voltage-gated channel alpha subunit 3; minus strand). Cytogenetic location: 2q24.3.
Variant type: single nucleotide variant.
Coding change: c.3015G>T on transcript NM_006922.4 (MANE Select); coding-DNA position 3015, G replaced by T.
Protein change: p.Gln1005His; replaces glutamine 1005 with histidine.
Molecular consequence: missense variant.
Genome position (GRCh38, 1-based): chr2:165,128,009, C>A on the plus strand (G>T on the coding strand, the complement: SCN3A is on the minus strand). VCF-style: chr2-165128009-C-A. GRCh37 (hg19) VCF-style: chr2-165984519-C-A.
Other names: c.2868G>T, p.Gln956His (NM_001081676.2, NM_001081677.2); short protein forms Q1005H, Q956H.
Identifiers: ClinVar variation 948553 (VCV000948553.9), dbSNP rs1332554294, ClinGen allele CA349041380.